The following is an entry in ClinVar:

ClinVar aggregate classification (germline): Uncertain significance (1 of 4 stars; one submission).

Submission:

Labcorp Genetics (formerly Invitae), Labcorp
Classification: Uncertain significance. Last evaluated: 2024-10-24. Review status: criteria provided, single submitter. Criteria: Invitae Variant Classification Sherloc (09022015). Collection method: clinical testing. Allele origin: germline.
Comment: This sequence change replaces glycine, which is neutral and non-polar, with valine, which is neutral and non-polar, at codon 783 of the HMCN1 protein (p.Gly783Val). This variant is not present in population databases (gnomAD no frequency). This variant has not been reported in the literature in individuals affected with HMCN1-related conditions. An algorithm developed to predict the effect of missense changes on protein structure and function (PolyPhen-2) suggests that this variant is likely to be disruptive. In summary, the available evidence is currently insufficient to determine the role of this variant in disease. Therefore, it has been classified as a Variant of Uncertain Significance.

NM_031935.3(HMCN1):c.2348G>T (p.Gly783Val)

Gene: HMCN1 (hemicentin 1; plus strand). Cytogenetic location: 1q31.1.
Variant type: single nucleotide variant.
Coding change: c.2348G>T on transcript NM_031935.3 (MANE Select); coding-DNA position 2348, G replaced by T.
Protein change: p.Gly783Val; replaces glycine 783 with valine.
Molecular consequence: missense variant.
Genome position (GRCh38, 1-based): chr1:185,970,470, G>T. VCF-style: chr1-185970470-G-T. GRCh37 (hg19) VCF-style: chr1-185939602-G-T.
Other names: short protein forms G783V.
Identifiers: ClinVar variation 3662422 (VCV003662422.2).
Genomic context (GRCh38, chr1:185,970,470, plus strand): 5'-AAGATCTGGATGCTGGCGATTATACCTGTGTAGCCATCAATGAGGCTGGAAGAGCAACTG[G>T]CAAGATAACTCTGGATGTTGGCTGTAAGCCTCCAGATCTTATAGGCCAATTTGTTTAGAA-3'
Protein context (NP_114141.2, residues 773-793): VAINEAGRAT[Gly783Val]KITLDVGSPP